The following is an entry in ClinVar:

NM_199355.4(ADAMTS18):c.2555C>T (p.Pro852Leu)

Gene: ADAMTS18 (ADAM metallopeptidase with thrombospondin type 1 motif 18; minus strand). Cytogenetic location: 16q23.1.
Variant type: single nucleotide variant.
Coding change: c.2555C>T on transcript NM_199355.4 (MANE Select); coding-DNA position 2555, C replaced by T.
Protein change: p.Pro852Leu; replaces proline 852 with leucine.
Molecular consequence: missense variant.
Genome position (GRCh38, 1-based): chr16:77,300,382, G>A on the plus strand (C>T on the coding strand, the complement: ADAMTS18 is on the minus strand). VCF-style: chr16-77300382-G-A. GRCh37 (hg19) VCF-style: chr16-77334279-G-A.
Other names: c.2039C>T, p.Pro680Leu (NM_001326358.2); short protein forms P680L, P852L.
Identifiers: ClinVar variation 1348308 (VCV001348308.8), dbSNP rs768952316, ClinGen allele CA8180847.

ClinVar aggregate classification (germline): Uncertain significance (1 of 4 stars; one submission).

Allele frequency attached by ClinVar (database versions not stated): gnomAD exomes below 0.00001 and 0.00001; ExAC 0.00002.
gnomAD v4.1: 3 of 1,613,884 alleles (0.00019%); highest among the groups gnomAD compares: Middle Eastern, 0.017%; no homozygotes.

Submission:

Labcorp Genetics (formerly Invitae), Labcorp
Classification: Uncertain significance. Last evaluated: 2022-06-13. Review status: criteria provided, single submitter. Criteria: Invitae Variant Classification Sherloc (09022015). Collection method: clinical testing. Allele origin: germline.
Comment: In summary, the available evidence is currently insufficient to determine the role of this variant in disease. Therefore, it has been classified as a Variant of Uncertain Significance. Algorithms developed to predict the effect of missense changes on protein structure and function are either unavailable or do not agree on the potential impact of this missense change (SIFT: "Not Available"; PolyPhen-2: "Benign"; Align-GVGD: "Not Available"). This variant has not been reported in the literature in individuals affected with ADAMTS18-related conditions. This variant is present in population databases (rs768952316, gnomAD 0.003%). This sequence change replaces proline, which is neutral and non-polar, with leucine, which is neutral and non-polar, at codon 852 of the ADAMTS18 protein (p.Pro852Leu).